The following is an entry in ClinVar:

NM_002386.4(MC1R):c.625C>T (p.His209Tyr)

Gene: MC1R (melanocortin 1 receptor; plus strand). Cytogenetic location: 16q24.3.
Variant type: single nucleotide variant.
Coding change: c.625C>T on transcript NM_002386.4 (MANE Select); coding-DNA position 625, C replaced by T.
Protein change: p.His209Tyr; replaces histidine 209 with tyrosine.
Molecular consequence: missense variant.
Genome position (GRCh38, 1-based): chr16:89,919,883, C>T. VCF-style: chr16-89919883-C-T. GRCh37 (hg19) VCF-style: chr16-89986291-C-T.
Other names: short protein forms H209Y.
Identifiers: ClinVar variation 944189 (VCV000944189.11), dbSNP rs761210287, ClinGen allele CA8255686.

ClinVar aggregate classification (germline): Uncertain significance (1 of 4 stars; one submission).

Conditions:
Melanoma, cutaneous malignant, susceptibility to, 5. Also called: Cutaneous malignant melanoma 5. Identifiers: Orphanet 618, MedGen C2751295, MONDO:0013133, OMIM 613099.

Allele frequency attached by ClinVar (database versions not stated): ExAC 0.00001; gnomAD 0.00001; gnomAD exomes 0.00001.

Submission:

Labcorp Genetics (formerly Invitae), Labcorp
Classification: Uncertain significance for Melanoma, cutaneous malignant, susceptibility to, 5. Last evaluated: 2022-08-21. Review status: criteria provided, single submitter. Criteria: Invitae Variant Classification Sherloc (09022015). Collection method: clinical testing. Allele origin: germline.
Comment: In summary, the available evidence is currently insufficient to determine the role of this variant in disease. Therefore, it has been classified as a Variant of Uncertain Significance. This sequence change replaces histidine, which is basic and polar, with tyrosine, which is neutral and polar, at codon 209 of the MC1R protein (p.His209Tyr). This variant is present in population databases (rs761210287, gnomAD 0.003%). This variant has not been reported in the literature in individuals affected with MC1R-related conditions. ClinVar contains an entry for this variant (Variation ID: 944189). Algorithms developed to predict the effect of missense changes on protein structure and function (SIFT, PolyPhen-2, Align-GVGD) all suggest that this variant is likely to be disruptive.